The following is an entry in ClinVar:

NM_014915.3(ANKRD26):c.5051A>G (p.Asp1684Gly)

Gene: ANKRD26 (ankyrin repeat domain 26; minus strand). Cytogenetic location: 10p12.1.
Variant type: single nucleotide variant.
Coding change: c.5051A>G on transcript NM_014915.3 (MANE Select); coding-DNA position 5051, A replaced by G.
Protein change: p.Asp1684Gly; replaces aspartic acid 1684 with glycine.
Molecular consequence: missense variant.
Genome position (GRCh38, 1-based): chr10:27,005,672, T>C on the plus strand (A>G on the coding strand, the complement: ANKRD26 is on the minus strand). VCF-style: chr10-27005672-T-C. GRCh37 (hg19) VCF-style: chr10-27294601-T-C.
Other names: c.5048A>G, p.Asp1683Gly (NM_001256053.2); short protein forms D1683G, D1684G.
Identifiers: ClinVar variation 2130919 (VCV002130919.5), dbSNP rs772007481, ClinGen allele CA5447649.
Genomic context (GRCh38, chr10:27,005,672, plus strand): 5'-AAAACCTGTACATATTCTCTTGATGCTTTCCAAACTAGATCTTGATTTAGATTTGACTCA[T>C]CAGTAGACCCTAGAGGGGAAGCTATTGATCCAGATTCCAATTCAGCAGCAGCTAGAATGA-3'
Protein context (NP_055730.2, residues 1674-1694): GSIASPLGST[Asp1684Gly]ESNLNQDLVW

ClinVar aggregate classification (germline): Conflicting classifications of pathogenicity. Review status: criteria provided, conflicting classifications (1 of 4 stars). 2 submissions from 2 submitters: Uncertain significance (1); Likely benign (1). Last evaluated 2025-03-28.

Conditions:
Inborn genetic diseases. Identifiers: MedGen C0950123, MeSH D030342.

Allele frequency attached by ClinVar (database versions not stated): gnomAD exomes below 0.00001; ExAC 0.00002.
gnomAD v4.1: 2 of 1,613,048 alleles (0.00012%); highest among the groups gnomAD compares: Non-Finnish European, 0.00017%; no homozygotes.

Submissions (2):

Ambry Genetics
Classification: Uncertain significance for Inborn genetic diseases. Last evaluated: 2025-03-28. Review status: criteria provided, single submitter. Criteria: Ambry Variant Classification Scheme 2023. Collection method: clinical testing. Allele origin: germline.
Comment: The p.D1684G variant (also known as c.5051A>G), located in coding exon 34 of the ANKRD26 gene, results from an A to G substitution at nucleotide position 5051. The aspartic acid at codon 1684 is replaced by glycine, an amino acid with similar properties. This amino acid position is conserved. In addition, this alteration is predicted to be tolerated by in silico analysis. Based on the available evidence, the clinical significance of this variant remains unclear.

Labcorp Genetics (formerly Invitae), Labcorp
Classification: Likely benign. Last evaluated: 2024-10-06. Review status: criteria provided, single submitter. Criteria: Invitae Variant Classification Sherloc (09022015). Collection method: clinical testing. Allele origin: germline.